The following is an entry in ClinVar:

NM_007294.4(BRCA1):c.3310A>G (p.Lys1104Glu)

Genes: BRCA1 (BRCA1 DNA repair associated; minus strand), LOC126862571 (BRD4-independent group 4 enhancer GRCh37_chr17:41243136-41244335; plus strand). Cytogenetic location: 17q21.31.
Variant type: single nucleotide variant.
Coding change: c.3310A>G on transcript NM_007294.4 (MANE Select); coding-DNA position 3310, A replaced by G.
Protein change: p.Lys1104Glu; replaces lysine 1104 with glutamic acid.
Molecular consequence: missense variant. On other transcripts: intron variant (137).
Genome position (GRCh38, 1-based): chr17:43,092,221, T>C on the plus strand (A>G on the coding strand, the complement: BRCA1 is on the minus strand). VCF-style: chr17-43092221-T-C. GRCh37 (hg19) VCF-style: chr17-41244238-T-C.
Other names: c.3184A>G, p.Lys1062Glu (NM_001407670.1, NM_001407671.1, NM_001407672.1 and 11 more transcripts); c.3187A>G, p.Lys1063Glu (NM_001407674.1, NM_001407675.1, NM_001407676.1 and 19 more transcripts); c.3310A>G, p.Lys1104Glu (NM_001407684.1, NM_001407581.1, NM_001407582.1 and 30 more transcripts); c.3169A>G, p.Lys1057Glu (NM_001407727.1, NM_001407728.1, NM_001407729.1 and 29 more transcripts); c.3097A>G, p.Lys1033Glu (NM_001407571.1, NM_001407853.1, NM_001407894.1 and 9 more transcripts); c.3307A>G, p.Lys1103Glu (NM_001407610.1, NM_001407611.1, NM_001407612.1 and 22 more transcripts); c.3301A>G, p.Lys1101Glu (NM_001407646.1, NM_001407647.1); c.3232A>G, p.Lys1078Glu (NM_001407653.1, NM_001407654.1, NM_001407655.1 and 4 more transcripts); and 41 more; short protein forms K1057E, K1104E, K1036E, K1063E, K936E, K993E, K1015E, K1034E.
Identifiers: ClinVar variation 1502042 (VCV001502042.11), dbSNP rs2154329912, ClinGen allele CA10595368.

ClinVar aggregate classification (germline): Conflicting classifications of pathogenicity. Review status: criteria provided, conflicting classifications (1 of 4 stars). 2 submissions from 2 submitters: Uncertain significance (1); Likely benign (1). Last evaluated 2023-03-23.

Conditions:
Hereditary cancer-predisposing syndrome. Also called: Hereditary neoplastic syndrome; Tumor predisposition; Neoplastic Syndromes, Hereditary; Hereditary Cancer Syndrome. Identifiers: Orphanet 140162, MedGen C0027672, MeSH D009386, MONDO:0015356.
Hereditary breast ovarian cancer syndrome. Also called: Hereditary breast and ovarian cancer; Breast and ovarian cancer; BRCA1- and BRCA2-Associated Hereditary Breast and Ovarian Cancer; Hereditary breast and/or ovarian cancer syndrome; Hereditary breast and ovarian cancer syndrome; Hereditary breast and ovarian cancer syndrome (HBOC). Identifiers: Orphanet 145, MedGen C0677776, MeSH D061325, MONDO:0003582. Disease mechanism: loss of function.

Submissions (2):

University of Washington Department of Laboratory Medicine, University of Washington
Classification: Likely benign for Hereditary cancer-predisposing syndrome. Last evaluated: 2023-03-23. Review status: criteria provided, single submitter. Criteria: Dines et al. (Genet Med. 2020). Collection method: curation. Allele origin: germline.
Comment: Missense variant in a coldspot region where missense variants are very unlikely to be pathogenic (PMID:31911673).

BRCA1 coldspot (exon 11 using historical exon numbering). Reclassification based on statistical prior probability

Labcorp Genetics (formerly Invitae), Labcorp
Classification: Uncertain significance for Hereditary breast ovarian cancer syndrome. Last evaluated: 2023-03-09. Review status: criteria provided, single submitter. Criteria: Invitae Variant Classification Sherloc (09022015). Collection method: clinical testing. Allele origin: germline.
Comment: In summary, the available evidence is currently insufficient to determine the role of this variant in disease. Therefore, it has been classified as a Variant of Uncertain Significance. Advanced modeling of protein sequence and biophysical properties (such as structural, functional, and spatial information, amino acid conservation, physicochemical variation, residue mobility, and thermodynamic stability) performed at Invitae indicates that this missense variant is not expected to disrupt BRCA1 protein function. ClinVar contains an entry for this variant (Variation ID: 1502042). This variant has not been reported in the literature in individuals affected with BRCA1-related conditions. This variant is not present in population databases (gnomAD no frequency). This sequence change replaces lysine, which is basic and polar, with glutamic acid, which is acidic and polar, at codon 1104 of the BRCA1 protein (p.Lys1104Glu).